The following is an entry in ClinVar:

NM_015340.4(LARS2):c.1524-1G>T

Genes: LARS2 (leucyl-tRNA synthetase 2, mitochondrial; plus strand), LARS2-AS1 (LARS2 antisense RNA 1; minus strand). Cytogenetic location: 3p21.31.
Variant type: single nucleotide variant.
Coding change: c.1524-1G>T on transcript NM_015340.4 (MANE Select); the canonical splice acceptor site of the intron before coding-DNA position 1524, G replaced by T.
Molecular consequence: splice acceptor variant.
Genome position (GRCh38, 1-based): chr3:45,496,274, G>T. VCF-style: chr3-45496274-G-T. GRCh37 (hg19) VCF-style: chr3-45537766-G-T.
Other names: c.1524-1G>T (NM_001368263.1, NM_015340.3).
Identifiers: ClinVar variation 1358997 (VCV001358997.9), dbSNP rs1700009371, ClinGen allele CA352426639.

ClinVar aggregate classification (germline): Conflicting classifications of pathogenicity. Review status: criteria provided, conflicting classifications (1 of 4 stars). 2 submissions from 2 submitters: Likely pathogenic (1); Uncertain significance (1). Last evaluated 2026-06-04.

Conditions:
LARS2-related disorder. Also called: LARS2-related condition.

Allele frequency attached by ClinVar (database versions not stated): gnomAD exomes below 0.00001; TOPMed below 0.00001.
gnomAD v4.1: 1 of 1,610,454 alleles (0.000062%); highest among the groups gnomAD compares: Admixed American, 0.0017%; no homozygotes.

Submissions (2):

PreventionGenetics, part of Exact Sciences
Classification: Uncertain significance for LARS2-related condition. Last evaluated: 2026-06-04. Review status: criteria provided, single submitter. Criteria: ACMG Guidelines, 2015. Collection method: clinical testing. Allele origin: germline.
Comment: The LARS2 c.1524-1G>T variant is predicted to disrupt the AG splice acceptor site and interfere with normal splicing. To our knowledge, this variant has not been reported in the literature or in a large population database (gnomAD), indicating this variant is rare. Although a small number of patients with LARS2 premature termination variants have been reported in the literature along with a second likely pathogenic (2) or variant of uncertain significance (5), loss of function is not a well established mechanism of disease (Pierce et al. 2013. PubMed ID: 23541342; van der Knaap et al. 2019. PubMed ID: 30737337; Buonfiglio et al. 2022. PubMed ID: 34997062; Table S5, Wu et al. 2022. PubMed ID: 35982127). Although we suspect that this variant may be pathogenic, at this time, the clinical significance of this variant is uncertain due to the absence of conclusive functional and genetic evidence.

Labcorp Genetics (formerly Invitae), Labcorp
Classification: Likely pathogenic. Last evaluated: 2022-11-01. Review status: criteria provided, single submitter. Criteria: Invitae Variant Classification Sherloc (09022015). Collection method: clinical testing. Allele origin: germline.
Comment: In summary, the currently available evidence indicates that the variant is pathogenic, but additional data are needed to prove that conclusively. Therefore, this variant has been classified as Likely Pathogenic. Algorithms developed to predict the effect of sequence changes on RNA splicing suggest that this variant may disrupt the consensus splice site. ClinVar contains an entry for this variant (Variation ID: 1358997). This variant has not been reported in the literature in individuals affected with LARS2-related conditions. This variant is not present in population databases (gnomAD no frequency). This sequence change affects an acceptor splice site in intron 13 of the LARS2 gene. It is expected to disrupt RNA splicing. Variants that disrupt the donor or acceptor splice site typically lead to a loss of protein function (PMID: 16199547), and loss-of-function variants in LARS2 are known to be pathogenic (PMID: 23541342, 30737337).

Literature cited by the submitters: PubMed 16199547 (cited by Labcorp Genetics (formerly Invitae), Labcorp); PubMed 23541342 (cited by Labcorp Genetics (formerly Invitae), Labcorp); PubMed 30737337 (cited by Labcorp Genetics (formerly Invitae), Labcorp).